The following is an entry in ClinVar:

ClinVar aggregate classification (germline): Likely benign. Review status: criteria provided, multiple submitters, no conflicts (2 of 4 stars). 3 submissions from 3 submitters: Likely benign (2). 1 of the submissions does not count toward it. Last evaluated 2025-12-03.

Conditions:
Kabuki syndrome. Also called: NIIKAWA-KUROKI SYNDROME; Kabuki make-up syndrome. Identifiers: Orphanet 2322, MedGen C0796004, MONDO:0016512.
KMT2D-related disorder. Also called: KMT2D-Related Disorders.

Allele frequency attached by ClinVar (database versions not stated): ExAC 0.00002; gnomAD 0.00003; TOPMed 0.00003.
gnomAD v4.1: 17 of 1,516,046 alleles (0.0011%); highest among the groups gnomAD compares: Admixed American, 0.0046%; no homozygotes.

Submissions (3):

Labcorp Genetics (formerly Invitae), Labcorp
Classification: Likely benign for Kabuki syndrome. Last evaluated: 2025-12-03. Review status: criteria provided, single submitter. Criteria: Invitae Variant Classification Sherloc (09022015). Collection method: clinical testing. Allele origin: germline.

GeneDx
Classification: Likely benign. Last evaluated: 2021-06-07. Review status: criteria provided, single submitter. Criteria: GeneDx Variant Classification Process June 2021. Collection method: clinical testing. Allele origin: germline. Affected: yes.

PreventionGenetics, part of Exact Sciences
Classification: Likely benign for KMT2D-related condition. Last evaluated: 2021-12-30. Review status: no assertion criteria provided. Collection method: clinical testing. Allele origin: germline. Not counted in ClinVar's aggregate classification.
Comment: This variant is classified as likely benign based on ACMG/AMP sequence variant interpretation guidelines (Richards et al. 2015 PMID: 25741868, with internal and published modifications).

NM_003482.4(KMT2D):c.6519G>A (p.Ser2173=)

Gene: KMT2D (lysine methyltransferase 2D; minus strand). Cytogenetic location: 12q13.12.
Variant type: single nucleotide variant.
Coding change: c.6519G>A on transcript NM_003482.4 (MANE Select); coding-DNA position 6519, G replaced by A.
Protein change: p.Ser2173=; no amino-acid change (serine 2173 retained).
Molecular consequence: synonymous variant.
Genome position (GRCh38, 1-based): chr12:49,041,251, C>T on the plus strand (G>A on the coding strand, the complement: KMT2D is on the minus strand). VCF-style: chr12-49041251-C-T. GRCh37 (hg19) VCF-style: chr12-49435034-C-T.
Identifiers: ClinVar variation 713016 (VCV000713016.12), dbSNP rs759939367, ClinGen allele CA6547246.